The following is an entry in ClinVar:

NM_000448.3(RAG1):c.2627del (p.Glu876fs)

Gene: RAG1 (recombination activating 1; plus strand). Cytogenetic location: 11p12.
Variant type: Deletion.
Coding change: c.2627del on transcript NM_000448.3 (MANE Select); coding-DNA position 2627, one base deleted (A; older notation c.2627delA).
Protein change: p.Glu876fs; shifts the reading frame from glutamic acid 876.
Molecular consequence: frameshift variant.
Genome position (GRCh38, 1-based): chr11:36,575,931, A deleted. VCF-style (leftmost placement, unchanged base first): chr11-36575930-GA-G. GRCh37 (hg19) VCF-style: chr11-36597480-GA-G.
Other names: c.2627delA, p.Glu876Glyfs (NM_000448.2); c.2627del, p.Glu876fs (NM_001377277.1, NM_001377278.1, NM_001377279.1 and 1 more transcripts); c.2627del (NM_000448.2); short protein forms E876fs.
Identifiers: ClinVar variation 2113317 (VCV002113317.5), dbSNP rs2494761308, ClinGen allele CA2573129703.

ClinVar aggregate classification (germline): Pathogenic (1 of 4 stars; one submission).

Conditions:
Combined immunodeficiency with skin granulomas. Identifiers: Orphanet 157949, MedGen C2673536, MONDO:0009306, OMIM 233650.
Severe combined immunodeficiency, autosomal recessive, T cell-negative, B cell-negative, NK cell-positive. Also called: SCID, AR, T-cell negative, B-cell negative, NK cell-positive; Severe combined immunodeficiency due to complete RAG1/2 deficiency; SCID, T CELL-NEGATIVE, B CELL-NEGATIVE, NK CELL-POSITIVE. Identifiers: Orphanet 331206, MedGen C1832322, MONDO:0011086, OMIM 601457.
Histiocytic medullary reticulosis. Also called: SEVERE COMBINED IMMUNODEFICIENCY WITH HYPEREOSINOPHILIA; Omenn syndrome. Identifiers: Orphanet 39041, MedGen C2700553, MONDO:0011338, OMIM 603554.

Submission:

Labcorp Genetics (formerly Invitae), Labcorp
Classification: Pathogenic for Combined immunodeficiency with skin granulomas; Severe combined immunodeficiency, autosomal recessive, T cell-negative, B cell-negative, NK cell-positive. Last evaluated: 2022-03-17. Review status: criteria provided, single submitter. Criteria: Invitae Variant Classification Sherloc (09022015). Collection method: clinical testing. Allele origin: germline.
Comment: This sequence change creates a premature translational stop signal (p.Glu876Glyfs*7) in the RAG1 gene. While this is not anticipated to result in nonsense mediated decay, it is expected to disrupt the last 168 amino acid(s) of the RAG1 protein. This variant is not present in population databases (gnomAD no frequency). This variant has not been reported in the literature in individuals affected with RAG1-related conditions. This variant disrupts a region of the RAG1 protein in which other variant(s) (p.Arg975Gln) have been determined to be pathogenic (PMID: 11133745, 17476359, 18768869, 24290284, 27484032, 30307608). This suggests that this is a clinically significant region of the protein, and that variants that disrupt it are likely to be disease-causing. For these reasons, this variant has been classified as Pathogenic.

Literature cited by the submitters: PubMed 11133745 (cited by Labcorp Genetics (formerly Invitae), Labcorp); PubMed 17476359 (cited by Labcorp Genetics (formerly Invitae), Labcorp); PubMed 18768869 (cited by Labcorp Genetics (formerly Invitae), Labcorp); PubMed 24290284 (cited by Labcorp Genetics (formerly Invitae), Labcorp); PubMed 27484032 (cited by Labcorp Genetics (formerly Invitae), Labcorp); PubMed 30307608 (cited by Labcorp Genetics (formerly Invitae), Labcorp).